The following is an entry in ClinVar:

ClinVar aggregate classification (germline): Uncertain significance (1 of 4 stars; one submission).

Conditions:
Cranioectodermal dysplasia 2 (CED2). Identifiers: Orphanet 1515, MedGen C3150874, MONDO:0013323, OMIM 613610.
Short-rib thoracic dysplasia 7 with or without polydactyly (SRTD7). Also called: SHORT-RIB THORACIC DYSPLASIA 7 WITH POLYDACTYLY; Short rib polydactyly syndrome 5. Identifiers: Orphanet 498497, Orphanet 93271, MedGen C3279792, MONDO:0013569, OMIM 614091.

Allele frequency attached by ClinVar (database versions not stated): gnomAD exomes below 0.00001.
gnomAD v4.1: 4 of 1,612,860 alleles (0.00025%); highest among the groups gnomAD compares: Non-Finnish European, 0.00017%; no homozygotes.

Submission:

Labcorp Genetics (formerly Invitae), Labcorp
Classification: Uncertain significance for Cranioectodermal dysplasia 2; Short-rib thoracic dysplasia 7 with or without polydactyly. Last evaluated: 2020-02-11. Review status: criteria provided, single submitter. Criteria: Invitae Variant Classification Sherloc (09022015). Collection method: clinical testing. Allele origin: germline.
Comment: This sequence change replaces proline with alanine at codon 222 of the WDR35 protein (p.Pro222Ala). The proline residue is highly conserved and there is a small physicochemical difference between proline and alanine. This variant is not present in population databases (ExAC no frequency) and has not been reported in the literature in individuals with a WDR35-related disease. Algorithms developed to predict the effect of missense changes on protein structure and function (SIFT, PolyPhen-2, Align-GVGD) all suggest that this variant is likely to be tolerated, but these predictions have not been confirmed by published functional studies. In summary, this variant is a novel missense change that is not predicted to affect protein function. There is no indication that it causes disease, but the available evidence is currently insufficient to prove that conclusively. Therefore, it has been classified as a Variant of Uncertain Significance.

NM_020779.4(WDR35):c.664C>G (p.Pro222Ala)

Gene: WDR35 (WD repeat domain 35; minus strand). Cytogenetic location: 2p24.1.
Variant type: single nucleotide variant.
Coding change: c.664C>G on transcript NM_020779.4 (MANE Select); coding-DNA position 664, C replaced by G.
Protein change: p.Pro222Ala; replaces proline 222 with alanine.
Molecular consequence: missense variant.
Genome position (GRCh38, 1-based): chr2:19,974,540, G>C on the plus strand (C>G on the coding strand, the complement: WDR35 is on the minus strand). VCF-style: chr2-19974540-G-C. GRCh37 (hg19) VCF-style: chr2-20174301-G-C.
Other names: c.664C>G, p.Pro222Ala (NM_001006657.2); short protein forms P222A.
Identifiers: ClinVar variation 478785 (VCV000478785.8), dbSNP rs1553322982, ClinGen allele CA345947214.